The following is an entry in ClinVar:

NM_000088.4(COL1A1):c.3656A>G (p.Asp1219Gly)

Gene: COL1A1 (collagen type I alpha 1 chain; minus strand). Cytogenetic location: 17q21.33.
Variant type: single nucleotide variant.
Coding change: c.3656A>G on transcript NM_000088.4 (MANE Select); coding-DNA position 3656, A replaced by G.
Protein change: p.Asp1219Gly; replaces aspartic acid 1219 with glycine.
Molecular consequence: missense variant.
Genome position (GRCh38, 1-based): chr17:50,186,798, T>C on the plus strand (A>G on the coding strand, the complement: COL1A1 is on the minus strand). VCF-style: chr17-50186798-T-C. GRCh37 (hg19) VCF-style: chr17-48264159-T-C.
Other names: short protein forms D1219G.
Identifiers: ClinVar variation 1192753 (VCV001192753.11), dbSNP rs2144537008, ClinGen allele CA400197440.

ClinVar aggregate classification (germline): Pathogenic/Likely pathogenic. Review status: criteria provided, multiple submitters, no conflicts (2 of 4 stars). 3 submissions from 3 submitters: Pathogenic (2); Likely pathogenic (1). Last evaluated 2025-08-21.

Conditions:
Osteogenesis imperfecta with normal sclerae, dominant form (OI4). Also called: Common Variable Osteogenesis Imperfecta with Normal Sclerae; OSTEOGENESIS IMPERFECTA, TYPE IV, WITH DENTINOGENESIS IMPERFECTA; Osteogenesis Imperfecta Type IV; OSTEOGENESIS IMPERFECTA WITH NORMAL SCLERAE; Osteogenesis imperfecta type 4. Identifiers: Orphanet 216820, Orphanet 666, MedGen C0268363, MONDO:0008148, OMIM 166220.
Osteogenesis imperfecta type I (OI1). Also called: Classic Non-deforming Osteogenesis Imperfecta with Blue Sclerae; Lobstein disease; OI, TYPE I; OSTEOGENESIS IMPERFECTA TARDA; OSTEOGENESIS IMPERFECTA WITH BLUE SCLERAE; Osteogenesis imperfecta type 1. Identifiers: Orphanet 216796, Orphanet 666, MedGen C0023931, MONDO:0008146, OMIM 166200. Disease mechanism: loss of function.

Submissions (3):

Labcorp Genetics (formerly Invitae), Labcorp
Classification: Pathogenic for Osteogenesis imperfecta type I. Last evaluated: 2025-08-21. Review status: criteria provided, single submitter. Criteria: Invitae Variant Classification Sherloc (09022015). Collection method: clinical testing. Allele origin: germline.
Comment: This sequence change replaces aspartic acid, which is acidic and polar, with glycine, which is neutral and non-polar, at codon 1219 of the COL1A1 protein (p.Asp1219Gly). This variant is not present in population databases (gnomAD no frequency). This missense change has been observed in individual(s) with osteogenesis imperfecta (PMID: 35243755; internal data). It has also been observed to segregate with disease in related individuals. ClinVar contains an entry for this variant (Variation ID: 1192753). Invitae Evidence Modeling of protein sequence and biophysical properties (such as structural, functional, and spatial information, amino acid conservation, physicochemical variation, residue mobility, and thermodynamic stability) indicates that this missense variant is expected to disrupt COL1A1 protein function with a positive predictive value of 95%. This variant disrupts the p.Asp1219 amino acid residue in COL1A1. Other variant(s) that disrupt this residue have been determined to be pathogenic (PMID: 21344539, 26177859, 29669177, 31447884). This suggests that this residue is clinically significant, and that variants that disrupt this residue are likely to be disease-causing. For these reasons, this variant has been classified as Pathogenic.

Clinical Biomedical Laboratory, Shriners Hospital For Children - Canada
Classification: Pathogenic for Osteogenesis imperfecta with normal sclerae, dominant form. Last evaluated: 2025-05-23. Review status: criteria provided, single submitter. Criteria: ACMG Guidelines, 2015. Collection method: clinical testing. Allele origin: germline. Affected: yes.
Comment: This variant is predicted to substitute an aspartic acid residue by a serine residue in the alpha 1 chain of collagen type I. This variant is absent from the Genome Aggregation Database (v2.1.1), indicating it is rare. This variant has been reported in the literature (PMID: 29669177) as a cause of osteogenesis imperfecta. Computational tools: (Revel 0.85) suggest that the change is detrimental to protein function. The variant affects the C-propeptide cleavage site of the alpha 1 chain of collagen type I. C-propeptide cleavage site variants are an established cause of osteogenesis imperfecta.

GeneDx
Classification: Likely pathogenic. Last evaluated: 2019-07-05. Review status: criteria provided, single submitter. Criteria: GeneDx Variant Classification Process June 2021. Collection method: clinical testing. Allele origin: germline. Affected: yes.
Comment: Not observed in large population cohorts (Lek et al., 2016); In silico analysis, which includes protein predictors and evolutionary conservation, supports a deleterious effect; Has not been previously published as pathogenic or benign to our knowledge

Literature cited by the submitters: PubMed 35243755 (cited by Labcorp Genetics (formerly Invitae), Labcorp); PubMed 21344539 (cited by Labcorp Genetics (formerly Invitae), Labcorp); PubMed 26177859 (cited by Labcorp Genetics (formerly Invitae), Labcorp); PubMed 29669177 (cited by Labcorp Genetics (formerly Invitae), Labcorp and Clinical Biomedical Laboratory, Shriners Hospital For Children - Canada); PubMed 31447884 (cited by Labcorp Genetics (formerly Invitae), Labcorp).